The following is an entry in ClinVar:

NM_001330195.2(NRXN3):c.468A>T (p.Ile156=)

Gene: NRXN3 (neurexin 3; plus strand). Cytogenetic location: 14q24.3.
Variant type: single nucleotide variant.
Coding change: c.468A>T on transcript NM_001330195.2 (MANE Select); coding-DNA position 468, A replaced by T.
Protein change: p.Ile156=; no amino-acid change (isoleucine 156 retained).
Molecular consequence: synonymous variant. On other transcripts: non-coding transcript variant (4).
Genome position (GRCh38, 1-based): chr14:78,243,561, A>T. VCF-style: chr14-78243561-A-T. GRCh37 (hg19) VCF-style: chr14-78709904-A-T.
Other names: c.468A>T, p.Ile156= (NM_001366425.1, NM_001366426.1).
Identifiers: ClinVar variation 2644426 (VCV002644426.24), dbSNP rs536617413, ClinGen allele CA7291338.

ClinVar aggregate classification (germline): Likely benign (1 of 4 stars; one submission).

Allele frequency attached by ClinVar (database versions not stated): gnomAD 0.00001; gnomAD exomes 0.00001; ExAC 0.00003; 1000 Genomes Project 30x 0.00016; 1000 Genomes Project 0.00020.
gnomAD v4.1: 6 of 1,598,288 alleles (0.00038%); highest among the groups gnomAD compares: East Asian, 0.013%; no homozygotes.

Submission:

CeGaT Center for Human Genetics Tuebingen
Classification: Likely benign. Last evaluated: 2022-11-01. Review status: criteria provided, single submitter. Criteria: CeGaT Center For Human Genetics Tuebingen Variant Classification Criteria Version 2. Collection method: clinical testing. Allele origin: germline. Affected: yes. Observed: 1 variant allele.
Comment: NRXN3: BP4, BP7